The following is an entry in ClinVar:

ClinVar aggregate classification (germline): Uncertain significance (1 of 4 stars; one submission).

Submission:

CeGaT Center for Human Genetics Tuebingen
Classification: Uncertain significance. Last evaluated: 2024-02-01. Review status: criteria provided, single submitter. Criteria: CeGaT Center For Human Genetics Tuebingen Variant Classification Criteria Version 2. Collection method: clinical testing. Allele origin: germline. Affected: yes. Observed: 1 variant allele.
Comment: KIDINS220: PM2, PS2:Supporting

NM_020738.4(KIDINS220):c.1747C>T (p.Pro583Ser)

Gene: KIDINS220 (kinase D interacting substrate 220; minus strand). Cytogenetic location: 2p25.1.
Variant type: single nucleotide variant.
Coding change: c.1747C>T on transcript NM_020738.4 (MANE Select); coding-DNA position 1747, C replaced by T.
Protein change: p.Pro583Ser; replaces proline 583 with serine.
Molecular consequence: missense variant. On other transcripts: non-coding transcript variant (2).
Genome position (GRCh38, 1-based): chr2:8,788,687, G>A on the plus strand (C>T on the coding strand, the complement: KIDINS220 is on the minus strand). VCF-style: chr2-8788687-G-A. GRCh37 (hg19) VCF-style: chr2-8928817-G-A.
Other names: c.1750C>T, p.Pro584Ser (NM_001348734.2, NM_001348739.2, NM_001348740.2 and 3 more transcripts); c.1747C>T, p.Pro583Ser (NM_001348735.2, NM_001348738.2, NM_001348741.2 and 3 more transcripts); c.1621C>T, p.Pro541Ser (NM_001348736.2); short protein forms P541S, P583S, P584S.
Identifiers: ClinVar variation 3026679 (VCV003026679.22), dbSNP rs2528021892, ClinGen allele CA345766830.
Genomic context (GRCh38, chr2:8,788,687, plus strand): 5'-TGTCAAATGGTACAACTCACCTCACAGGTAAAGCTTTAGTAGTCTGCTCTGGCAACTCAG[G>A]TGGATTCACAAACATCAATTTAAGGAGGAGTTCCAAATATCCAATATGTCTTGCCAATCT-3'
Protein context (NP_065789.1, residues 573-593): LLLKLMFVNP[Pro583Ser]ELPEQTTKAL